The following is an entry in ClinVar:

ClinVar aggregate classification (germline): Benign (1 of 4 stars; one submission).

Allele frequency attached by ClinVar (database versions not stated): 1000 Genomes Project 0.01837; 1000 Genomes Project 30x 0.01889; TOPMed 0.03164; gnomAD 0.03362 and 0.03463.

Submission:

GeneDx
Classification: Benign. Last evaluated: 2018-06-19. Review status: criteria provided, single submitter. Criteria: GeneDx Variant Classification (06012015). Collection method: clinical testing. Allele origin: germline. Affected: yes.
Comment: This variant is considered likely benign or benign based on one or more of the following criteria: it is a conservative change, it occurs at a poorly conserved position in the protein, it is predicted to be benign by multiple in silico algorithms, and/or has population frequency not consistent with disease.

NM_002860.4(ALDH18A1):c.89-253T>G

Gene: ALDH18A1 (aldehyde dehydrogenase 18 family member A1; minus strand). Cytogenetic location: 10q24.1.
Variant type: single nucleotide variant.
Coding change: c.89-253T>G on transcript NM_002860.4 (MANE Select); 253 bases into the intron before coding-DNA position 89, T replaced by G.
Molecular consequence: intron variant.
Genome position (GRCh38, 1-based): chr10:95,643,459, A>C on the plus strand (T>G on the coding strand, the complement: ALDH18A1 is on the minus strand). VCF-style: chr10-95643459-A-C. GRCh37 (hg19) VCF-style: chr10-97403216-A-C.
Other names: c.-78-9810T>G (NM_001323419.2); c.-30-6023T>G (NM_001323412.2, NM_001323418.2, NM_001323416.2); c.89-253T>G (NM_001323417.2, NM_001017423.2, NM_001323415.2 and 2 more transcripts).
Identifiers: ClinVar variation 669714 (VCV000669714.1), dbSNP rs117958583, ClinGen allele CA211805425.
Genomic context (GRCh38, chr10:95,643,459, plus strand): 5'-CACCCAGTATGCAGGTCATAGGCACACTCAAATGCTGTTGGTGAAGAGTACAAACAAATT[A>C]ATCTCTCTTGAAGACAGGTTGGCAAATTTATCGAAAGCCTTAAAAAAGTTCTCTAAAAAA-3'